The following is an entry in ClinVar:

ClinVar aggregate classification (germline): Pathogenic (1 of 4 stars; one submission).

Conditions:
Autosomal recessive polycystic kidney disease (ARPKD). Also called: AR polycystic kidney disease. Identifiers: Orphanet 731, Orphanet 8378, MedGen C0085548, MeSH D017044, MONDO:0009889.

Submission:

Labcorp Genetics (formerly Invitae), Labcorp
Classification: Pathogenic for Autosomal recessive polycystic kidney disease. Last evaluated: 2023-08-20. Review status: criteria provided, single submitter. Criteria: Invitae Variant Classification Sherloc (09022015). Collection method: clinical testing. Allele origin: germline.
Comment: For these reasons, this variant has been classified as Pathogenic. Algorithms developed to predict the effect of sequence changes on RNA splicing suggest that this variant may disrupt the consensus splice site. This variant has not been reported in the literature in individuals affected with PKHD1-related conditions. This variant is not present in population databases (gnomAD no frequency). This sequence change creates a premature translational stop signal (p.Glu541*) in the PKHD1 gene. It is expected to result in an absent or disrupted protein product. Loss-of-function variants in PKHD1 are known to be pathogenic (PMID: 19940839).

Literature cited by the submitters: PubMed 19940839.

NM_138694.4(PKHD1):c.1621G>T (p.Glu541Ter)

Gene: PKHD1 (PKHD1 ciliary IPT domain containing fibrocystin/polyductin; minus strand). Cytogenetic location: 6p12.2.
Variant type: single nucleotide variant.
Coding change: c.1621G>T on transcript NM_138694.4 (MANE Select); coding-DNA position 1621, G replaced by T.
Protein change: p.Glu541Ter; replaces glutamic acid 541 with a stop codon.
Molecular consequence: nonsense.
Genome position (GRCh38, 1-based): chr6:52,056,770, C>A on the plus strand (G>T on the coding strand, the complement: PKHD1 is on the minus strand). VCF-style: chr6-52056770-C-A. GRCh37 (hg19) VCF-style: chr6-51921568-C-A.
Other names: c.1621G>T, p.Glu541Ter (NM_170724.3); short protein forms E541*.
Identifiers: ClinVar variation 2754175 (VCV002754175.3), dbSNP rs2533337576, ClinGen allele CA364425002.